The following is an entry in ClinVar:

ClinVar aggregate classification (germline): Uncertain significance (1 of 4 stars; one submission).

Conditions:
Hypertrophic cardiomyopathy. Also called: HYPERTROPHIC MYOCARDIOPATHY. Identifiers: Orphanet 217569, MedGen C0007194, MeSH D002312, MONDO:0005045, HP:0001639.

Submission:

Labcorp Genetics (formerly Invitae), Labcorp
Classification: Uncertain significance for Hypertrophic cardiomyopathy. Last evaluated: 2025-10-03. Review status: criteria provided, single submitter. Criteria: Invitae Variant Classification Sherloc (09022015). Collection method: clinical testing. Allele origin: germline.
Comment: This sequence change replaces aspartic acid, which is acidic and polar, with glutamic acid, which is acidic and polar, at codon 1621 of the MYH7 protein (p.Asp1621Glu). This variant is not present in population databases (gnomAD no frequency). This variant has not been reported in the literature in individuals affected with MYH7-related conditions. Invitae Evidence Modeling of protein sequence and biophysical properties (such as structural, functional, and spatial information, amino acid conservation, physicochemical variation, residue mobility, and thermodynamic stability) indicates that this missense variant is expected to disrupt MYH7 protein function with a positive predictive value of 95%. In summary, the available evidence is currently insufficient to determine the role of this variant in disease. Therefore, it has been classified as a Variant of Uncertain Significance.

NM_000257.4(MYH7):c.4863C>A (p.Asp1621Glu)

Genes: MHRT (myosin heavy chain associated RNA transcript; plus strand), MYH7 (myosin heavy chain 7; minus strand), LOC126861897 (BRD4-independent group 4 enhancer GRCh37_chr14:23884455-23885654; plus strand). Cytogenetic location: 14q11.2.
Variant type: single nucleotide variant.
Coding change: c.4863C>A on transcript NM_000257.4 (MANE Select); coding-DNA position 4863, C replaced by A.
Protein change: p.Asp1621Glu; replaces aspartic acid 1621 with glutamic acid.
Molecular consequence: missense variant. On other transcripts: non-coding transcript variant (1).
Genome position (GRCh38, 1-based): chr14:23,416,094, G>T on the plus strand (C>A on the coding strand, the complement: MYH7 is on the minus strand). VCF-style: chr14-23416094-G-T. GRCh37 (hg19) VCF-style: chr14-23885303-G-T.
Other names: c.4863C>A, p.Asp1621Glu (NM_001407004.1); short protein forms D1621E.
Identifiers: ClinVar variation 4801916 (VCV004801916.1).